The following is an entry in ClinVar:

ClinVar aggregate classification (germline): Uncertain significance (1 of 4 stars; one submission).

Conditions:
Dextro-looped transposition of the great arteries. Also called: Dextrotransposition of the great arteries. Identifiers: Orphanet 860, MedGen C3531771, MONDO:0019443, OMIM 608808, HP:0031348.

Allele frequency attached by ClinVar (database versions not stated): gnomAD exomes 0.00001; TOPMed 0.00002.
gnomAD v4.1: 10 of 1,613,866 alleles (0.00062%); highest among the groups gnomAD compares: Non-Finnish European, 0.00076%; no homozygotes.

Submission:

Labcorp Genetics (formerly Invitae), Labcorp
Classification: Uncertain significance for Dextro-looped transposition of the great arteries. Last evaluated: 2021-11-23. Review status: criteria provided, single submitter. Criteria: Invitae Variant Classification Sherloc (09022015). Collection method: clinical testing. Allele origin: germline.
Comment: Advanced modeling of protein sequence and biophysical properties (such as structural, functional, and spatial information, amino acid conservation, physicochemical variation, residue mobility, and thermodynamic stability) performed at Invitae indicates that this missense variant is not expected to disrupt MED13L protein function. This variant has not been reported in the literature in individuals affected with MED13L-related conditions. This variant is present in population databases (no rsID available, gnomAD 0.002%). This sequence change replaces glycine, which is neutral and non-polar, with arginine, which is basic and polar, at codon 437 of the MED13L protein (p.Gly437Arg). In summary, the available evidence is currently insufficient to determine the role of this variant in disease. Therefore, it has been classified as a Variant of Uncertain Significance.

NM_015335.5(MED13L):c.1309G>A (p.Gly437Arg)

Gene: MED13L (mediator complex subunit 13L; minus strand). Cytogenetic location: 12q24.21.
Variant type: single nucleotide variant.
Coding change: c.1309G>A on transcript NM_015335.5 (MANE Select); coding-DNA position 1309, G replaced by A.
Protein change: p.Gly437Arg; replaces glycine 437 with arginine.
Molecular consequence: missense variant.
Genome position (GRCh38, 1-based): chr12:116,009,104, C>T on the plus strand (G>A on the coding strand, the complement: MED13L is on the minus strand). VCF-style: chr12-116009104-C-T. GRCh37 (hg19) VCF-style: chr12-116446909-C-T.
Other names: short protein forms G437R.
Identifiers: ClinVar variation 1373022 (VCV001373022.6), dbSNP rs1478066317, ClinGen allele CA386897125.